The following is an entry in ClinVar:

ClinVar aggregate classification (germline): Uncertain significance (1 of 4 stars; one submission).

Allele frequency attached by ClinVar (database versions not stated): gnomAD exomes below 0.00001; TOPMed below 0.00001.
gnomAD v4.1: 2 of 1,613,834 alleles (0.00012%); highest among the groups gnomAD compares: Non-Finnish European, 0.00017%; no homozygotes.

Submission:

Labcorp Genetics (formerly Invitae), Labcorp
Classification: Uncertain significance. Last evaluated: 2024-02-23. Review status: criteria provided, single submitter. Criteria: Invitae Variant Classification Sherloc (09022015). Collection method: clinical testing. Allele origin: germline.
Comment: This sequence change replaces arginine, which is basic and polar, with lysine, which is basic and polar, at codon 3400 of the USH2A protein (p.Arg3400Lys). This variant is present in population databases (no rsID available, gnomAD 0.0009%). This variant has not been reported in the literature in individuals affected with USH2A-related conditions. ClinVar contains an entry for this variant (Variation ID: 1382513). Advanced modeling of protein sequence and biophysical properties (such as structural, functional, and spatial information, amino acid conservation, physicochemical variation, residue mobility, and thermodynamic stability) performed at Invitae indicates that this missense variant is not expected to disrupt USH2A protein function with a negative predictive value of 95%. In summary, the available evidence is currently insufficient to determine the role of this variant in disease. Therefore, it has been classified as a Variant of Uncertain Significance.

NM_206933.4(USH2A):c.10199G>A (p.Arg3400Lys)

Gene: USH2A (usherin; minus strand). Cytogenetic location: 1q41.
Variant type: single nucleotide variant.
Coding change: c.10199G>A on transcript NM_206933.4 (MANE Select); coding-DNA position 10199, G replaced by A.
Protein change: p.Arg3400Lys; replaces arginine 3400 with lysine.
Molecular consequence: missense variant.
Genome position (GRCh38, 1-based): chr1:215,786,858, C>T on the plus strand (G>A on the coding strand, the complement: USH2A is on the minus strand). VCF-style: chr1-215786858-C-T. GRCh37 (hg19) VCF-style: chr1-215960200-C-T.
Other names: short protein forms R3400K.
Identifiers: ClinVar variation 1382513 (VCV001382513.9), dbSNP rs1431227070, ClinGen allele CA344840639.